The following is an entry in ClinVar:

ClinVar aggregate classification (germline): Pathogenic (1 of 4 stars; one submission).

Conditions:
Cockayne spectrum with or without cerebrooculofacioskeletal syndrome. Identifiers: MedGen CN315928, MONDO:0100506.

Submission:

Myriad Genetics, Inc.
Classification: Pathogenic for Cockayne spectrum with or without cerebrooculofacioskeletal syndrome. Last evaluated: 2023-10-29. Review status: criteria provided, single submitter. Criteria: Myriad Autosomal Dominant, Autosomal Recessive and X-Linked Classification Criteria (2023). Collection method: clinical testing. Allele origin: unknown.
Comment: NM_000124.2(ERCC6):c.2179delG(A727Lfs*12) is expected to be pathogenic in the context of ERCC6-related disorders. This variant is predicted to lead to an abnormal or absent protein product due to the creation of a premature termination codon in ERCC6, a gene where loss-of-function variants are known to be pathogenic. Please note: this variant was assessed in the context of healthy population screening.

NM_000124.4(ERCC6):c.2179del (p.Ala727fs)

Gene: ERCC6 (ERCC excision repair 6, chromatin remodeling factor; minus strand). Cytogenetic location: 10q11.23.
Variant type: Deletion.
Coding change: c.2179del on transcript NM_000124.4 (MANE Select); coding-DNA position 2179, one base deleted (G; older notation c.2179delG).
Protein change: p.Ala727fs; shifts the reading frame from alanine 727.
Molecular consequence: frameshift variant.
Genome position (GRCh38, 1-based): chr10:49,478,461, C deleted on the plus strand (G on the coding strand, the reverse complement: ERCC6 is on the minus strand). VCF-style (leftmost placement, unchanged base first): chr10-49478460-GC-G. GRCh37 (hg19) VCF-style: chr10-50686506-GC-G.
Other names: c.2179del, p.Ala727fs (NM_001346440.2); short protein forms A727fs.
Identifiers: ClinVar variation 5012444 (VCV005012444.1).